The following is an entry in ClinVar:

ClinVar aggregate classification (germline): Uncertain significance (1 of 4 stars; one submission).

gnomAD v4.1: 1 of 1,613,106 alleles (0.000062%); highest among the groups gnomAD compares: Non-Finnish European, 0.000085%; no homozygotes.

Submission:

Labcorp Genetics (formerly Invitae), Labcorp
Classification: Uncertain significance. Last evaluated: 2022-10-24. Review status: criteria provided, single submitter. Criteria: Invitae Variant Classification Sherloc (09022015). Collection method: clinical testing. Allele origin: germline.
Comment: This sequence change replaces phenylalanine, which is neutral and non-polar, with leucine, which is neutral and non-polar, at codon 116 of the ATOH7 protein (p.Phe116Leu). This variant is not present in population databases (gnomAD no frequency). This variant has not been reported in the literature in individuals affected with ATOH7-related conditions. Algorithms developed to predict the effect of missense changes on protein structure and function output the following: SIFT: "Tolerated"; PolyPhen-2: "Benign"; Align-GVGD: "Class C0". The leucine amino acid residue is found in multiple mammalian species, which suggests that this missense change does not adversely affect protein function. In summary, the available evidence is currently insufficient to determine the role of this variant in disease. Therefore, it has been classified as a Variant of Uncertain Significance.

NM_145178.4(ATOH7):c.348C>G (p.Phe116Leu)

Gene: ATOH7 (atonal bHLH transcription factor 7; minus strand). Cytogenetic location: 10q21.3.
Variant type: single nucleotide variant.
Coding change: c.348C>G on transcript NM_145178.4 (MANE Select); coding-DNA position 348, C replaced by G.
Protein change: p.Phe116Leu; replaces phenylalanine 116 with leucine.
Molecular consequence: missense variant.
Genome position (GRCh38, 1-based): chr10:68,231,330, G>C on the plus strand (C>G on the coding strand, the complement: ATOH7 is on the minus strand). VCF-style: chr10-68231330-G-C. GRCh37 (hg19) VCF-style: chr10-69991087-G-C.
Other names: short protein forms F116L.
Identifiers: ClinVar variation 1970956 (VCV001970956.5), dbSNP rs1423220213, ClinGen allele CA376835448.
Genomic context (GRCh38, chr10:68,231,330, plus strand): 5'-GTACAGCTCGCTCTCGCCCGGCAGCTTCGCGCCCGGGAACGGGAGGTAGTGGTCGCGGCC[G>C]AAGTGCTCACAGTGGAGACCCACCCAGTCCCGCTCCGAGCCGAATCGCTCGGCCTCGGCC-3'
Protein context (NP_660161.1, residues 106-126): RDWVGLHCEH[Phe116Leu]GRDHYLPFPG